The following is an entry in ClinVar:

NM_000268.4(NF2):c.1271G>A (p.Arg424His)

Gene: NF2 (NF2, moesin-ezrin-radixin like (MERLIN) tumor suppressor; plus strand). Cytogenetic location: 22q12.2.
Variant type: single nucleotide variant.
Coding change: c.1271G>A on transcript NM_000268.4 (MANE Select); coding-DNA position 1271, G replaced by A.
Protein change: p.Arg424His; replaces arginine 424 with histidine.
Molecular consequence: missense variant. On other transcripts: non-coding transcript variant (1), intron variant (1).
Genome position (GRCh38, 1-based): chr22:29,673,417, G>A. VCF-style: chr22-29673417-G-A. GRCh37 (hg19) VCF-style: chr22-30069406-G-A.
Other names: c.1271G>A, p.Arg424His (NM_016418.5, NM_181825.3, NM_181832.3); c.1145G>A, p.Arg382His (NM_181828.3); c.1148G>A, p.Arg383His (NM_181829.3); c.1022G>A, p.Arg341His (NM_181830.3, NM_181831.3); c.448-21335G>A (NM_181833.3); short protein forms R424H, R341H, R382H, R383H.
Identifiers: ClinVar variation 809347 (VCV000809347.28), dbSNP rs751182657, ClinGen allele CA029378.
Genomic context (GRCh38, chr22:29,673,417, plus strand): 5'-AGGCTGAGCAGGAAATGCAGCGCATCAAGGCCACAGCGATTCGCACGGAGGAGGAGAAGC[G>A]CCTGATGGAGCAGAAGGTGCTGGAAGCCGAGGTGCTGGCACTGAAGATGGCTGAGGAGTC-3'
Protein context (NP_000259.1, residues 414-434): ATAIRTEEEK[Arg424His]LMEQKVLEAE

ClinVar aggregate classification (germline): Conflicting classifications of pathogenicity. Review status: criteria provided, conflicting classifications (1 of 4 stars). 6 submissions from 6 submitters: Uncertain significance (3); Benign (2); Likely benign (1). Last evaluated 2026-01-01.

Conditions:
Neurofibromatosis, type 2 (SWNV). Also called: BILATERAL ACOUSTIC NEUROFIBROMATOSIS; NF2-Related Schwannomatosis; SCHWANNOMATOSIS, VESTIBULAR. Identifiers: Orphanet 637, MedGen C0027832, MONDO:0007039, OMIM 101000. Disease mechanism: loss of function.
Hereditary cancer-predisposing syndrome. Also called: Tumor predisposition; Hereditary neoplastic syndrome; Neoplastic Syndromes, Hereditary; Hereditary Cancer Syndrome. Identifiers: Orphanet 140162, MedGen C0027672, MeSH D009386, MONDO:0015356.

Allele frequency attached by ClinVar (database versions not stated): gnomAD 0.00001; TOPMed 0.00001.
gnomAD v4.1: 30 of 1,612,486 alleles (0.0019%); highest among the groups gnomAD compares: Non-Finnish European, 0.0025%; no homozygotes.

Submissions (6):

CeGaT Center for Human Genetics Tuebingen
Classification: Uncertain significance. Last evaluated: 2026-01-01. Review status: criteria provided, single submitter. Criteria: CeGaT Center For Human Genetics Tuebingen Variant Classification Criteria Version 2. Collection method: clinical testing. Allele origin: germline. Affected: yes. Observed: 1 variant allele.

Labcorp Genetics (formerly Invitae), Labcorp
Classification: Likely benign for Neurofibromatosis, type 2. Last evaluated: 2025-12-17. Review status: criteria provided, single submitter. Criteria: Invitae Variant Classification Sherloc (09022015). Collection method: clinical testing. Allele origin: germline.

Color Diagnostics, LLC DBA Color Health
Classification: Benign for Neurofibromatosis, type 2. Last evaluated: 2025-05-14. Review status: criteria provided, single submitter. Criteria: ACMG Guidelines, 2015. Collection method: clinical testing. Allele origin: germline.

Ambry Genetics
Classification: Benign for Hereditary cancer-predisposing syndrome. Last evaluated: 2022-09-19. Review status: criteria provided, single submitter. Criteria: Ambry Variant Classification Scheme 2023. Collection method: clinical testing. Allele origin: germline.

Genome-Nilou Lab
Classification: Uncertain significance for Neurofibromatosis, type 2. Last evaluated: 2021-11-07. Review status: criteria provided, single submitter. Criteria: ACMG Guidelines, 2015. Collection method: clinical testing. Allele origin: germline. Affected: no.

Sema4
Classification: Uncertain significance for Hereditary cancer-predisposing syndrome. Last evaluated: 2021-09-21. Review status: criteria provided, single submitter. Criteria: Sema4 Curation Guidelines. Collection method: curation. Allele origin: germline.
Comment: The NF2 c.1271G>A (p.R424H) variant has not been reported in the literature to our knowledge. It was observed in 6/111406 chromosomes in the Non-Finnish European subpopulation in the large and broad cohorts of the Genome Aggregation Database (PMID: 32461654). The variant has been reported in ClinVar (Variation ID: 809347). Functional studies have not been performed, and in silico predictions of the variant's effect on protein function are inconclusive. The evidence is insufficient to meet ACMG/AMP criteria for classifying the variant as benign or pathogenic. Thus, the clinical significance of this variant is currently uncertain.